The following is an entry in ClinVar:

ClinVar aggregate classification (germline): Uncertain significance (1 of 4 stars; one submission).

Submission:

GeneDx
Classification: Uncertain significance. Last evaluated: 2026-04-02. Review status: criteria provided, single submitter. Criteria: GeneDx Variant Classification Process June 2021. Collection method: clinical testing. Allele origin: germline.
Comment: Not observed at significant frequency in large population cohorts (gnomAD); In silico analysis supports that this missense variant has a deleterious effect on protein structure/function; Has not been previously published as pathogenic or benign to our knowledge

NM_001127208.3(TET2):c.3677T>C (p.Ile1226Thr)

Genes: TET2 (tet methylcytosine dioxygenase 2; plus strand), TET2-AS1 (TET2 antisense RNA 1; minus strand). Cytogenetic location: 4q24.
Variant type: single nucleotide variant.
Coding change: c.3677T>C on transcript NM_001127208.3 (MANE Select); coding-DNA position 3677, T replaced by C.
Protein change: p.Ile1226Thr; replaces isoleucine 1226 with threonine.
Molecular consequence: missense variant.
Genome position (GRCh38, 1-based): chr4:105,243,652, T>C. VCF-style: chr4-105243652-T-C. GRCh37 (hg19) VCF-style: chr4-106164809-T-C.
Other names: short protein forms I1226T.
Identifiers: ClinVar variation 3360917 (VCV003360917.2).